The following is an entry in ClinVar:

NM_004706.4(ARHGEF1):c.-20+1201G>A

Gene: ARHGEF1 (Rho guanine nucleotide exchange factor 1; plus strand). Cytogenetic location: 19q13.2.
Variant type: single nucleotide variant.
Coding change: c.-20+1201G>A on transcript NM_004706.4 (MANE Select); 1201 bases into the intron after 20 bases upstream of the start codon, G replaced by A.
Molecular consequence: intron variant. On other transcripts: missense variant (1), non-coding transcript variant (1).
Genome position (GRCh38, 1-based): chr19:41,884,490, G>A. VCF-style: chr19-41884490-G-A. GRCh37 (hg19) VCF-style: chr19-42388557-G-A.
Other names: c.23G>A, p.Ser8Asn (NM_199002.2); c.-20+1201G>A (NM_001396003.1, NM_001396002.1, NM_001396000.1 and 3 more transcripts); short protein forms S8N.
Identifiers: ClinVar variation 2891397 (VCV002891397.3), dbSNP rs1555844917, ClinGen allele CA406040075.
Genomic context (GRCh38, chr19:41,884,490, plus strand): 5'-GGAGCCCGAGCGCGGAGGCTTCGGTTCCGGTGGCGGCGATGGCTTCTCTTTCCACCTGGA[G>A]CAGGTGAGGGACGCGGTCCCCAGCGGGTGTCAGACCCTGACTCTGCACGTCCTCCCCGGC-3'

ClinVar aggregate classification (germline): Uncertain significance (1 of 4 stars; one submission).

gnomAD v4.1: 25 of 1,607,578 alleles (0.0016%); highest among the groups gnomAD compares: Non-Finnish European, 0.0019%; no homozygotes.

Submission:

Labcorp Genetics (formerly Invitae), Labcorp
Classification: Uncertain significance. Last evaluated: 2025-12-20. Review status: criteria provided, single submitter. Criteria: Invitae Variant Classification Sherloc (09022015). Collection method: clinical testing. Allele origin: germline.
Comment: This sequence change replaces serine, which is neutral and polar, with asparagine, which is neutral and polar, at codon 8 of the ARHGEF1 protein (p.Ser8Asn). The frequency data for this variant in the population databases is considered unreliable, as metrics indicate poor data quality at this position in the gnomAD database. This variant has not been reported in the literature in individuals affected with ARHGEF1-related conditions. ClinVar contains an entry for this variant (Variation ID: 2891397). An algorithm developed to predict the effect of missense changes on protein structure and function (PolyPhen-2) suggests that this variant is likely to be tolerated. In summary, the available evidence is currently insufficient to determine the role of this variant in disease. Therefore, it has been classified as a Variant of Uncertain Significance.